The following is an entry in ClinVar:

ClinVar aggregate classification (germline): Uncertain significance (1 of 4 stars; one submission).

Conditions:
Global developmental delay with or without impaired intellectual development. Identifiers: MedGen C5193032, MONDO:0032680, OMIM 618330.

Submission:

Institute of Human Genetics, University of Leipzig Medical Center
Classification: Uncertain significance for Global developmental delay with or without impaired intellectual development. Last evaluated: 2022-12-19. Review status: criteria provided, single submitter. Criteria: ACMG Guidelines, 2015. Collection method: clinical testing. Allele origin: de novo. Affected: yes.
Comment: Criteria applied: PS2_Moderate, PM2_Supporting, PP2

NM_181552.4(CUX1):c.3601A>T (p.Met1201Leu)

Gene: CUX1 (cut like homeobox 1; plus strand). Cytogenetic location: 7q22.1.
Variant type: single nucleotide variant.
Coding change: c.3601A>T on transcript NM_181552.4 (MANE Select); coding-DNA position 3601, A replaced by T.
Protein change: p.Met1201Leu; replaces methionine 1201 with leucine.
Molecular consequence: missense variant. On other transcripts: intron variant (5).
Genome position (GRCh38, 1-based): chr7:102,234,219, A>T. VCF-style: chr7-102234219-A-T. GRCh37 (hg19) VCF-style: chr7-101877499-A-T.
Other names: c.3634A>T, p.Met1212Leu (NM_001202543.2); c.1255+38616A>T (NM_001913.5); c.1249+38616A>T (NM_181500.4); c.1117+38616A>T (NM_001202545.3); c.1207+38616A>T (NM_001202544.3); c.1138+38616A>T (NM_001202546.3); short protein forms M1201L, M1212L.
Identifiers: ClinVar variation 1803933 (VCV001803933.1), dbSNP rs1554531807, ClinGen allele CA368698262.